The following is an entry in ClinVar:

ClinVar aggregate classification (germline): Uncertain significance (1 of 4 stars; one submission).

Conditions:
Congenital hypothyroidism. Identifiers: Orphanet 442, MedGen C0010308, MONDO:0018612, HP:0000851.

gnomAD v4.1: 7 of 1,613,946 alleles (0.00043%); highest among the groups gnomAD compares: Non-Finnish European, 0.00059%; no homozygotes.

Submission:

Cambridge Genomics Laboratory, East Genomic Laboratory Hub, NHS Genomic Medicine Service
Classification: Uncertain significance for Congenital hypothyroidism. Last evaluated: 2024-11-14. Review status: criteria provided, single submitter. Criteria: ACGS Best Practice Guidelines for Variant Classification in Rare Disease 2020. Collection method: clinical testing. Allele origin: germline. Affected: yes.
Comment: PM2,PM3_Supporting,PP3,PP4

NM_001206744.2(TPO):c.2224T>C (p.Cys742Arg)

Genes: LALTOP (lung cancer associated lncRNA targeting TOP2A; minus strand), TPO (thyroid peroxidase; plus strand). Cytogenetic location: 2p25.3.
Variant type: single nucleotide variant.
Coding change: c.2224T>C on transcript NM_001206744.2 (MANE Select); coding-DNA position 2224, T replaced by C.
Protein change: p.Cys742Arg; replaces cysteine 742 with arginine.
Molecular consequence: missense variant.
Genome position (GRCh38, 1-based): chr2:1,496,603, T>C. VCF-style: chr2-1496603-T-C. GRCh37 (hg19) VCF-style: chr2-1500375-T-C.
Other names: c.2224T>C, p.Cys742Arg (NM_000547.6, NM_175721.3); c.2053T>C, p.Cys685Arg (NM_001206745.2, NM_175719.4); c.1705T>C, p.Cys569Arg (NM_175722.3); short protein forms C569R, C685R, C742R.
Identifiers: ClinVar variation 4682133 (VCV004682133.1).
Genomic context (GRCh38, chr2:1,496,603, plus strand): 5'-GGTTTTCTTTTCTCGTAGTTTGACTACATGTCAACCTGTCCACATTTCATAGACGACAAG[T>C]GTGGCTTCCCAGAGAGCGTGGAGAATGGGGACTTTGTGCACTGTGAGGAGTCTGGGAGGC-3'
Protein context (NP_001193673.1, residues 732-752): WRETFPQDDK[Cys742Arg]GFPESVENGD